The following is an entry in ClinVar:

ClinVar aggregate classification (germline): Uncertain significance (1 of 4 stars; one submission).

Conditions:
Nemaline myopathy 6 (NEM6). Also called: Nemaline myopathy 6, autosomal dominant. Identifiers: Orphanet 171439, MedGen C1836472, MONDO:0012237, OMIM 609273.

Allele frequency attached by ClinVar (database versions not stated): gnomAD exomes below 0.00001; TOPMed below 0.00001; ExAC 0.00001; gnomAD 0.00001; 1000 Genomes Project 30x 0.00016; 1000 Genomes Project 0.00040.
gnomAD v4.1: 3 of 1,603,456 alleles (0.00019%); highest among the groups gnomAD compares: Non-Finnish European, 0.00025%; no homozygotes.

Submission:

Labcorp Genetics (formerly Invitae), Labcorp
Classification: Uncertain significance for Nemaline myopathy 6. Last evaluated: 2021-07-20. Review status: criteria provided, single submitter. Criteria: Invitae Variant Classification Sherloc (09022015). Collection method: clinical testing. Allele origin: germline.
Comment: This sequence change replaces alanine with valine at codon 334 of the KBTBD13 protein (p.Ala334Val). The alanine residue is moderately conserved and there is a small physicochemical difference between alanine and valine. This variant is present in population databases (rs200804273, ExAC 0.003%). In summary, the available evidence is currently insufficient to determine the role of this variant in disease. Therefore, it has been classified as a Variant of Uncertain Significance. Algorithms developed to predict the effect of missense changes on protein structure and function are either unavailable or do not agree on the potential impact of this missense change (SIFT: "Tolerated"; PolyPhen-2: "Possibly Damaging"; Align-GVGD: "Class C0"). This variant has not been reported in the literature in individuals with KBTBD13-related conditions.

NM_001101362.3(KBTBD13):c.1001C>T (p.Ala334Val)

Gene: KBTBD13 (kelch repeat and BTB domain containing 13; plus strand). Cytogenetic location: 15q22.31.
Variant type: single nucleotide variant.
Coding change: c.1001C>T on transcript NM_001101362.3 (MANE Select); coding-DNA position 1001, C replaced by T.
Protein change: p.Ala334Val; replaces alanine 334 with valine.
Molecular consequence: missense variant.
Genome position (GRCh38, 1-based): chr15:65,077,816, C>T. VCF-style: chr15-65077816-C-T. GRCh37 (hg19) VCF-style: chr15-65370154-C-T.
Other names: short protein forms A334V.
Identifiers: ClinVar variation 1054400 (VCV001054400.9), dbSNP rs200804273, ClinGen allele CA7614038.